The following is an entry in ClinVar:

ClinVar aggregate classification (germline): Uncertain significance. Review status: criteria provided, multiple submitters, no conflicts (2 of 4 stars). 2 submissions from 2 submitters: Uncertain significance (2). Last evaluated 2025-11-06.

Conditions:
ITGA2-related disorder. Also called: ITGA2-related condition.
Inborn genetic diseases. Identifiers: MedGen C0950123, MeSH D030342.

Allele frequency attached by ClinVar (database versions not stated): gnomAD exomes 0.00004; ExAC 0.00006; ESP Exome Variant Server 0.00008; gnomAD 0.00009; TOPMed 0.00016.
gnomAD v4.1: 79 of 1,611,960 alleles (0.0049%); highest among the groups gnomAD compares: Middle Eastern, 0.066%; no homozygotes.

Submissions (2):

PreventionGenetics, part of Exact Sciences
Classification: Uncertain significance for ITGA2-related condition. Last evaluated: 2025-11-06. Review status: criteria provided, single submitter. Criteria: ACMG Guidelines, 2015. Collection method: clinical testing. Allele origin: germline.
Comment: The ITGA2 c.2317G>T variant is predicted to result in the amino acid substitution p.Ala773Ser. To our knowledge, this variant has not been reported in the literature. This variant is reported in 0.048% of alleles in individuals of Ashkenazi Jewish descent in gnomAD. At this time, the clinical significance of this variant is uncertain due to the absence of conclusive functional and genetic evidence.

Ambry Genetics
Classification: Uncertain significance for Inborn genetic diseases. Last evaluated: 2023-08-22. Review status: criteria provided, single submitter. Criteria: Ambry Variant Classification Scheme 2023. Collection method: clinical testing. Allele origin: germline.

NM_002203.4(ITGA2):c.2317G>T (p.Ala773Ser)

Gene: ITGA2 (integrin subunit alpha 2; plus strand). Cytogenetic location: 5q11.2.
Variant type: single nucleotide variant.
Coding change: c.2317G>T on transcript NM_002203.4 (MANE Select); coding-DNA position 2317, G replaced by T.
Protein change: p.Ala773Ser; replaces alanine 773 with serine.
Molecular consequence: missense variant. On other transcripts: non-coding transcript variant (5).
Genome position (GRCh38, 1-based): chr5:53,072,019, G>T. VCF-style: chr5-53072019-G-T. GRCh37 (hg19) VCF-style: chr5-52367849-G-T.
Other names: short protein forms A773S.
Identifiers: ClinVar variation 2592060 (VCV002592060.3), dbSNP rs144380292, ClinGen allele CA3263140.